The following is an entry in ClinVar:

NM_015295.3(SMCHD1):c.185A>G (p.Gln62Arg)

Genes: SMCHD1 (structural maintenance of chromosomes flexible hinge domain containing 1; plus strand), LOC130062084 (ATAC-STARR-seq lymphoblastoid silent region 9247; plus strand). Cytogenetic location: 18p11.32.
Variant type: single nucleotide variant.
Coding change: c.185A>G on transcript NM_015295.3 (MANE Select); coding-DNA position 185, A replaced by G.
Protein change: p.Gln62Arg; replaces glutamine 62 with arginine.
Molecular consequence: missense variant.
Genome position (GRCh38, 1-based): chr18:2,656,260, A>G. VCF-style: chr18-2656260-A-G. GRCh37 (hg19) VCF-style: chr18-2656259-A-G.
Other names: short protein forms Q62R.
Identifiers: ClinVar variation 2771034 (VCV002771034.3), dbSNP rs2510079760, ClinGen allele CA401685376.

ClinVar aggregate classification (germline): Uncertain significance (1 of 4 stars; one submission).

Conditions:
Facioscapulohumeral muscular dystrophy 2 (FSHD2). Also called: MUSCULAR DYSTROPHY, FACIOSCAPULOHUMERAL, TYPE 1B; FACIOSCAPULOHUMERAL MUSCULAR DYSTROPHY 2, DIGENIC; FSHD2, DIGENIC. Identifiers: Orphanet 269, MedGen C1834671, MONDO:0008031, OMIM 158901.

gnomAD v4.1: 1 of 1,488,702 alleles (0.000067%); highest among the groups gnomAD compares: South Asian, 0.0014%; no homozygotes.

Submission:

Labcorp Genetics (formerly Invitae), Labcorp
Classification: Uncertain significance for Facioscapulohumeral muscular dystrophy 2. Last evaluated: 2023-11-20. Review status: criteria provided, single submitter. Criteria: Invitae Variant Classification Sherloc (09022015). Collection method: clinical testing. Allele origin: germline.
Comment: This sequence change replaces glutamine, which is neutral and polar, with arginine, which is basic and polar, at codon 62 of the SMCHD1 protein (p.Gln62Arg). This variant is not present in population databases (gnomAD no frequency). This variant has not been reported in the literature in individuals affected with SMCHD1-related conditions. An algorithm developed to predict the effect of missense changes on protein structure and function (PolyPhen-2) suggests that this variant is likely to be tolerated. Algorithms developed to predict the effect of sequence changes on RNA splicing suggest that this variant may create or strengthen a splice site. In summary, the available evidence is currently insufficient to determine the role of this variant in disease. Therefore, it has been classified as a Variant of Uncertain Significance.